The following is an entry in ClinVar:

NM_002227.4(JAK1):c.2515C>G (p.Arg839Gly)

Gene: JAK1 (Janus kinase 1; minus strand). Cytogenetic location: 1p31.3.
Variant type: single nucleotide variant.
Coding change: c.2515C>G on transcript NM_002227.4 (MANE Select); coding-DNA position 2515, C replaced by G.
Protein change: p.Arg839Gly; replaces arginine 839 with glycine.
Molecular consequence: missense variant.
Genome position (GRCh38, 1-based): chr1:64,841,490, G>C on the plus strand (C>G on the coding strand, the complement: JAK1 is on the minus strand). VCF-style: chr1-64841490-G-C. GRCh37 (hg19) VCF-style: chr1-65307173-G-C.
Other names: c.2515C>G, p.Arg839Gly (NM_001320923.2, NM_001321852.2, NM_001321853.2 and 3 more transcripts); c.2512C>G, p.Arg838Gly (NM_001321857.2); short protein forms R839G, R838G.
Identifiers: ClinVar variation 3666308 (VCV003666308.2).

ClinVar aggregate classification (germline): Uncertain significance (1 of 4 stars; one submission).

gnomAD v4.1: 1 of 1,614,126 alleles (0.000062%); highest among the groups gnomAD compares: Non-Finnish European, 0.000085%; no homozygotes.

Submission:

Labcorp Genetics (formerly Invitae), Labcorp
Classification: Uncertain significance. Last evaluated: 2024-12-23. Review status: criteria provided, single submitter. Criteria: Invitae Variant Classification Sherloc (09022015). Collection method: clinical testing. Allele origin: germline.
Comment: This sequence change replaces arginine, which is basic and polar, with glycine, which is neutral and non-polar, at codon 839 of the JAK1 protein (p.Arg839Gly). This variant is present in population databases (rs181919006, gnomAD 0.0009%). This variant has not been reported in the literature in individuals affected with JAK1-related conditions. Invitae Evidence Modeling of protein sequence and biophysical properties (such as structural, functional, and spatial information, amino acid conservation, physicochemical variation, residue mobility, and thermodynamic stability) indicates that this missense variant is not expected to disrupt JAK1 protein function with a negative predictive value of 80%. In summary, the available evidence is currently insufficient to determine the role of this variant in disease. Therefore, it has been classified as a Variant of Uncertain Significance.